The following is an entry in ClinVar:

NM_080911.3(UNG):c.489C>A (p.His163Gln)

Gene: UNG (uracil DNA glycosylase; plus strand). Cytogenetic location: 12q24.11.
Variant type: single nucleotide variant.
Coding change: c.489C>A on transcript NM_080911.3 (MANE Select); coding-DNA position 489, C replaced by A.
Protein change: p.His163Gln; replaces histidine 163 with glutamine.
Molecular consequence: missense variant.
Genome position (GRCh38, 1-based): chr12:109,101,955, C>A. VCF-style: chr12-109101955-C-A. GRCh37 (hg19) VCF-style: chr12-109539760-C-A.
Other names: c.462C>A, p.His154Gln (NM_003362.4); short protein forms H154Q, H163Q.
Identifiers: ClinVar variation 2003927 (VCV002003927.2), dbSNP rs376918741, ClinGen allele CA6772637.
Genomic context (GRCh38, chr12:109,101,955, plus strand): 5'-TTCACAGGTGAAGGTTGTCATCCTGGGACAGGATCCATATCATGGACCTAATCAAGCTCA[C>A]GGGCTCTGCTTTAGTGTTCAAAGGCCTGTTCCGCCTCCGCCCAGGTACAGTTGCTTTACA-3'
Protein context (NP_550433.1, residues 153-173): QDPYHGPNQA[His163Gln]GLCFSVQRPV

ClinVar aggregate classification (germline): Uncertain significance (1 of 4 stars; one submission).

Conditions:
Hyper-IgM syndrome type 5 (HIGM5). Also called: Hyper-IgM Immunodeficiency Syndrome, Type 5. Identifiers: Orphanet 101092, MedGen C1720958, MONDO:0011971, OMIM 608106.

gnomAD v4.1: 19 of 1,613,960 alleles (0.0012%); highest among the groups gnomAD compares: South Asian, 0.019%; 1 homozygote.

Submission:

Labcorp Genetics (formerly Invitae), Labcorp
Classification: Uncertain significance for Hyper-IgM syndrome type 5. Last evaluated: 2022-06-09. Review status: criteria provided, single submitter. Criteria: Invitae Variant Classification Sherloc (09022015). Collection method: clinical testing. Allele origin: germline.
Comment: In summary, the available evidence is currently insufficient to determine the role of this variant in disease. Therefore, it has been classified as a Variant of Uncertain Significance. Algorithms developed to predict the effect of missense changes on protein structure and function are either unavailable or do not agree on the potential impact of this missense change (SIFT: "Deleterious"; PolyPhen-2: "Probably Damaging"; Align-GVGD: "Class C0"). This variant has not been reported in the literature in individuals affected with UNG-related conditions. This variant is present in population databases (rs376918741, gnomAD 0.02%). This sequence change replaces histidine, which is basic and polar, with glutamine, which is neutral and polar, at codon 163 of the UNG protein (p.His163Gln).